The following is an entry in ClinVar:

ClinVar aggregate classification (germline): Uncertain significance. Review status: criteria provided, multiple submitters, no conflicts (2 of 4 stars). 7 submissions from 7 submitters: Uncertain significance (7). Last evaluated 2026-03-02.

Conditions:
LOXHD1-related disorder. Also called: LOXHD1-related condition.
Inborn genetic diseases. Identifiers: MedGen C0950123, MeSH D030342.
Autosomal recessive nonsyndromic hearing loss 77. Identifiers: Orphanet 90636, MedGen C2746083, MONDO:0013119, OMIM 613079.

Allele frequency attached by ClinVar (database versions not stated): ExAC 0.00014; gnomAD 0.00016 and 0.00019; gnomAD exomes 0.00016 and 0.00017; 1000 Genomes Project 0.00020; TOPMed 0.00024; 1000 Genomes Project 30x 0.00031.
gnomAD v4.1: 276 of 1,551,738 alleles (0.018%); highest among the groups gnomAD compares: Middle Eastern, 0.15%; no homozygotes.

Submissions (7):

PreventionGenetics, part of Exact Sciences
Classification: Uncertain significance for LOXHD1-related condition. Last evaluated: 2026-03-02. Review status: criteria provided, single submitter. Criteria: ACMG Guidelines, 2015. Collection method: clinical testing. Allele origin: germline.
Comment: The LOXHD1 c.868G>A variant is predicted to result in the amino acid substitution p.Gly290Arg. To our knowledge, this variant has not been reported in the literature. This variant is reported in 0.059% of alleles in individuals of Latino descent in gnomAD. Although we suspect that this variant may be benign, at this time, the clinical significance of this variant is uncertain due to the absence of conclusive functional and genetic evidence.

Labcorp Genetics (formerly Invitae), Labcorp
Classification: Uncertain significance. Last evaluated: 2024-12-09. Review status: criteria provided, single submitter. Criteria: Invitae Variant Classification Sherloc (09022015). Collection method: clinical testing. Allele origin: germline.
Comment: This sequence change replaces glycine, which is neutral and non-polar, with arginine, which is basic and polar, at codon 290 of the LOXHD1 protein (p.Gly290Arg). This variant is present in population databases (rs564030670, gnomAD 0.06%). This variant has not been reported in the literature in individuals affected with LOXHD1-related conditions. ClinVar contains an entry for this variant (Variation ID: 326875). An algorithm developed to predict the effect of missense changes on protein structure and function (PolyPhen-2) suggests that this variant¬†is likely to be tolerated. In summary, the available evidence is currently insufficient to determine the role of this variant in disease. Therefore, it has been classified as a Variant of Uncertain Significance.

Blueprint Genetics
Classification: Uncertain significance. Last evaluated: 2024-10-29. Review status: criteria provided, single submitter. Criteria: ACMG Guidelines, 2015. Collection method: clinical testing. Allele origin: germline.

Institute for Clinical Genetics, University Hospital TU Dresden, University Hospital TU Dresden
Classification: Uncertain significance. Last evaluated: 2021-11-03. Review status: criteria provided, single submitter. Criteria: ACMG Guidelines, 2015. Collection method: clinical testing. Allele origin: germline.

Ambry Genetics
Classification: Uncertain significance for Inborn genetic diseases. Last evaluated: 2021-10-13. Review status: criteria provided, single submitter. Criteria: Ambry Variant Classification Scheme 2023. Collection method: clinical testing. Allele origin: germline.

Illumina Laboratory Services, Illumina
Classification: Uncertain significance for Autosomal recessive nonsyndromic hearing loss 77. Last evaluated: 2018-01-13. Review status: criteria provided, single submitter. Criteria: ICSL Variant Classification Criteria 13 December 2019. Collection method: clinical testing. Allele origin: germline.

Breakthrough Genomics
Classification: Uncertain significance. Review status: criteria provided, single submitter. Criteria: ACMG Guidelines, 2015. Collection method: not provided. Allele origin: germline. Inheritance: Autosomal recessive inheritance. Affected: yes.

NM_001384474.1(LOXHD1):c.868G>A (p.Gly290Arg)

Gene: LOXHD1 (lipoxygenase homology PLAT domains 1; minus strand). Cytogenetic location: 18q21.1.
Variant type: single nucleotide variant.
Coding change: c.868G>A on transcript NM_001384474.1 (MANE Select); coding-DNA position 868, G replaced by A.
Protein change: p.Gly290Arg; replaces glycine 290 with arginine.
Molecular consequence: missense variant.
Genome position (GRCh38, 1-based): chr18:46,604,121, C>T on the plus strand (G>A on the coding strand, the complement: LOXHD1 is on the minus strand). VCF-style: chr18-46604121-C-T. GRCh37 (hg19) VCF-style: chr18-44184084-C-T.
Other names: c.868G>A, p.Gly290Arg (NM_144612.7); short protein forms G290R.
Identifiers: ClinVar variation 326875 (VCV000326875.14), dbSNP rs564030670, ClinGen allele CA8952877.